The following is an entry in ClinVar:

ClinVar aggregate classification (germline): Uncertain significance. Review status: criteria provided, multiple submitters, no conflicts (2 of 4 stars). 4 submissions from 4 submitters: Uncertain significance (4). Last evaluated 2024-11-16.

Conditions:
Cardiovascular phenotype. Identifiers: MedGen CN230736.
Arrhythmogenic cardiomyopathy with wooly hair and keratoderma. Also called: PALMOPLANTAR KERATODERMA WITH LEFT VENTRICULAR CARDIOMYOPATHY AND WOOLLY HAIR; Arrhythmogenic cardiomyopathy with woolly hair and keratoderma; Dilated cardiomyopathy with woolly hair and keratoderma; Carvajal syndrome. Identifiers: Orphanet 65282, MedGen C1854063, MONDO:0011581, OMIM 605676.
Arrhythmogenic right ventricular dysplasia 8 (ARVD8). Also called: ARRHYTHMOGENIC RIGHT VENTRICULAR CARDIOMYOPATHY 8; ARRHYTHMOGENIC RIGHT VENTRICULAR DYSPLASIA, FAMILIAL, 8; Arrhythmogenic Right Ventricular Dysplasia/Cardiomyopathy 8. Identifiers: MedGen C1843896, MONDO:0011831, OMIM 607450.
Lethal acantholytic epidermolysis bullosa (EBLA). Identifiers: Orphanet 158687, MedGen C1864826, MONDO:0012323, OMIM 609638.
Keratosis palmoplantaris striata 2. Also called: Keratosis palmoplantaris striata II; KERATODERMA, PALMOPLANTAR, STRIATE FORM II; STRIATE PALMOPLANTAR KERATODERMA II. Identifiers: MedGen C1852127, MONDO:0013034, OMIM 612908.
Woolly hair-skin fragility syndrome (WHSF). Identifiers: Orphanet 293165, MedGen C1843292, MONDO:0957307, OMIM 620415.
Cardiomyopathy, dilated, with wooly hair, keratoderma, and tooth agenesis. Also called: Cardiomyopathy, dilated, with woolly hair, keratoderma, and tooth agenesis; Erythrokeratodermia-cardiomyopathy syndrome. Identifiers: Orphanet 476096, Orphanet 65282, MedGen C4014393, MONDO:0014355, OMIM 615821.

Allele frequency attached by ClinVar (database versions not stated): TOPMed 0.00001.

Submissions (4):

GeneDx
Classification: Uncertain significance. Last evaluated: 2024-11-16. Review status: criteria provided, single submitter. Criteria: GeneDx Variant Classification Process June 2021. Collection method: clinical testing. Allele origin: germline. Affected: yes.
Comment: Not observed at significant frequency in large population cohorts (gnomAD); In silico analysis indicates that this missense variant does not alter protein structure/function; Has not been previously published as pathogenic or benign to our knowledge

Labcorp Genetics (formerly Invitae), Labcorp
Classification: Uncertain significance for Arrhythmogenic cardiomyopathy with wooly hair and keratoderma; Arrhythmogenic right ventricular dysplasia 8. Last evaluated: 2024-11-04. Review status: criteria provided, single submitter. Criteria: Invitae Variant Classification Sherloc (09022015). Collection method: clinical testing. Allele origin: germline.
Comment: This sequence change replaces lysine, which is basic and polar, with threonine, which is neutral and polar, at codon 444 of the DSP protein (p.Lys444Thr). This variant is not present in population databases (gnomAD no frequency). This variant has not been reported in the literature in individuals affected with DSP-related conditions. ClinVar contains an entry for this variant (Variation ID: 519260). An algorithm developed to predict the effect of missense changes on protein structure and function (PolyPhen-2) suggests that this variant is likely to be disruptive. In summary, the available evidence is currently insufficient to determine the role of this variant in disease. Therefore, it has been classified as a Variant of Uncertain Significance.

Fulgent Genetics
Classification: Uncertain significance for Arrhythmogenic cardiomyopathy with wooly hair and keratoderma; Arrhythmogenic right ventricular dysplasia 8; Lethal acantholytic epidermolysis bullosa; Keratosis palmoplantaris striata 2; Cardiomyopathy, dilated, with wooly hair, keratoderma, and tooth agenesis. Last evaluated: 2021-07-28. Review status: criteria provided, single submitter. Criteria: ACMG Guidelines, 2015. Collection method: clinical testing. Allele origin: unknown.

Ambry Genetics
Classification: Uncertain significance for Cardiovascular phenotype. Last evaluated: 2016-06-07. Review status: criteria provided, single submitter. Criteria: Ambry Variant Classification Scheme 2023. Collection method: clinical testing. Allele origin: germline.
Comment: The p.K444T variant (also known as c.1331A>C), located in coding exon 11 of the DSP gene, results from an A to C substitution at nucleotide position 1331. The lysine at codon 444 is replaced by threonine, an amino acid with similar properties. This variant was not reported in population based cohorts in the following databases: Database of Single Nucleotide Polymorphisms (dbSNP), NHLBI Exome Sequencing Project (ESP), and 1000 Genomes Project. In the ESP, this variant was not observed in 6503 samples (13006 alleles) with coverage at this position. This amino acid position is not well conserved in available vertebrate species, and threonine is the reference amino acid in other vertebrate species. In addition, this alteration is predicted to be tolerated by in silico analysis. Since supporting evidence is limited at this time, the clinical significance of this alteration remains unclear.

NM_004415.4(DSP):c.1331A>C (p.Lys444Thr)

Gene: DSP (desmoplakin; plus strand). Cytogenetic location: 6p24.3.
Variant type: single nucleotide variant.
Coding change: c.1331A>C on transcript NM_004415.4 (MANE Select); coding-DNA position 1331, A replaced by C.
Protein change: p.Lys444Thr; replaces lysine 444 with threonine.
Molecular consequence: missense variant.
Genome position (GRCh38, 1-based): chr6:7,568,501, A>C. VCF-style: chr6-7568501-A-C. GRCh37 (hg19) VCF-style: chr6-7568734-A-C.
Other names: c.1331A>C (LRG_423t1); c.1331A>C, p.Lys444Thr (NM_001008844.3, NM_001319034.2); short protein forms K444T.
Identifiers: ClinVar variation 519260 (VCV000519260.15), dbSNP rs1554106843, ClinGen allele CA362676463.